The following is an entry in ClinVar:

ClinVar aggregate classification (germline): Likely pathogenic (1 of 4 stars; one submission).

Conditions:
alpha Thalassemia. Also called: Alpha thalassemia spectrum. Identifiers: Orphanet 846, MedGen C0002312, MONDO:0011399, OMIM 604131.

Submission:

Natera, Inc.
Classification: Likely pathogenic for Alpha thalassemia. Last evaluated: 2025-08-29. Review status: criteria provided, single submitter. Criteria: Natera Variant Classification Schema (03/2026). Collection method: clinical testing. Allele origin: germline.
Comment: The c.230dupT variant in HBA2 is a frameshift variant predicted to elongate the protein beyond the termination codon. This variant is expected to result in nonsense mediated decay, truncation, or a dysfunctional protein product. This variant is rare in the general population with a frequency below the threshold expected for the associated phenotype(s). Given the available evidence, this variant is classified as Likely Pathogenic.

NM_000517.6(HBA2):c.230dup (p.Met77fs)

Genes: HBA2 (hemoglobin subunit alpha 2; plus strand), LOC106804612 (hemoglobin subunit alpha 2 recombination region; plus strand). Cytogenetic location: 16p13.3.
Variant type: Duplication.
Coding change: c.230dup on transcript NM_000517.6 (MANE Select); coding-DNA position 230, one base duplicated (T; older notation c.230dupT).
Protein change: p.Met77fs; shifts the reading frame from methionine 77.
Molecular consequence: frameshift variant.
Genome position (GRCh38, 1-based): chr16:173,259, T duplicated. VCF-style (leftmost placement, unchanged base first): chr16-173258-A-AT. GRCh37 (hg19) VCF-style: chr16-223257-A-AT.
Other names: short protein forms M77fs.
Identifiers: ClinVar variation 4818647 (VCV004818647.1).